The following is an entry in ClinVar:

NM_007215.4(POLG2):c.1435A>G (p.Ile479Val)

Genes: MILR1 (mast cell immunoglobulin like receptor 1; plus strand), POLG2 (DNA polymerase gamma 2, accessory subunit; minus strand). Cytogenetic location: 17q23.3.
Variant type: single nucleotide variant.
Coding change: c.1435A>G on transcript NM_007215.4 (MANE Select); coding-DNA position 1435, A replaced by G.
Protein change: p.Ile479Val; replaces isoleucine 479 with valine.
Molecular consequence: missense variant.
Genome position (GRCh38, 1-based): chr17:64,477,846, T>C on the plus strand (A>G on the coding strand, the complement: POLG2 is on the minus strand). VCF-style: chr17-64477846-T-C. GRCh37 (hg19) VCF-style: chr17-62473963-T-C.
Other names: short protein forms I479V.
Identifiers: ClinVar variation 1367372 (VCV001367372.6), dbSNP rs782133192, ClinGen allele CA8712748.
Genomic context (GRCh38, chr17:64,477,846, plus strand): 5'-TAGGAGAGAAGAATATTTATTATACAAATATAAAAATCTATACATTCTTAGCTGATGATA[T>C]ATACTTAATCAAAAAGTCTTTTAATTTGGATATATGCATCATTTCCTTCATTGTGGTGTC-3'
Protein context (NP_009146.2, residues 469-485): SKLKDFLIKY[Ile479Val]SSAKNV

ClinVar aggregate classification (germline): Uncertain significance (1 of 4 stars; one submission).

Allele frequency attached by ClinVar (database versions not stated): gnomAD exomes below 0.00001; ExAC 0.00001; gnomAD 0.00001.
gnomAD v4.1: 2 of 1,606,324 alleles (0.00012%); highest among the groups gnomAD compares: South Asian, 0.0011%; no homozygotes.

Submission:

Labcorp Genetics (formerly Invitae), Labcorp
Classification: Uncertain significance. Last evaluated: 2026-01-26. Review status: criteria provided, single submitter. Criteria: Invitae Variant Classification Sherloc (09022015). Collection method: clinical testing. Allele origin: germline.
Comment: This sequence change replaces isoleucine, which is neutral and non-polar, with valine, which is neutral and non-polar, at codon 479 of the POLG2 protein (p.Ile479Val). This variant is not present in population databases (gnomAD no frequency). This variant has not been reported in the literature in individuals affected with POLG2-related conditions. ClinVar contains an entry for this variant (Variation ID: 1367372). An algorithm developed to predict the effect of missense changes on protein structure and function (PolyPhen-2) suggests that this variant is likely to be tolerated. Algorithms developed to predict the effect of sequence changes on RNA splicing suggest that this variant may create or strengthen a splice site. In summary, the available evidence is currently insufficient to determine the role of this variant in disease. Therefore, it has been classified as a Variant of Uncertain Significance.